The following is an entry in ClinVar:

ClinVar aggregate classification (germline): Likely pathogenic (1 of 4 stars; one submission).

Submission:

GeneDx
Classification: Likely pathogenic. Last evaluated: 2016-02-16. Review status: criteria provided, single submitter. Criteria: GeneDx Variant Classification (06012015). Collection method: clinical testing. Allele origin: germline. Affected: yes.
Comment: The F268L variant in the CLCN4 gene has not been reported previously as a pathogenic variant, nor as a benign variant, to our knowledge. The F268L variant was not observed in approximately 6500 individuals of European and African American ancestry in the NHLBI Exome Sequencing Project, indicating it is not a common benign variant in these populations. The F268L variant is a conservative amino acid substitution, which is not likely to impact secondary protein structure as these residues share similar properties. This substitution occurs at a position that is conserved across species. In silico analysis predicts this variant is probably damaging to the protein structure/function. We interpret F268L as a likely pathogenic variant

NM_001830.4(CLCN4):c.804T>G (p.Phe268Leu)

Gene: CLCN4 (chloride voltage-gated channel 4; plus strand). Cytogenetic location: Xp22.2.
Variant type: single nucleotide variant.
Coding change: c.804T>G on transcript NM_001830.4 (MANE Select); coding-DNA position 804, T replaced by G.
Protein change: p.Phe268Leu; replaces phenylalanine 268 with leucine.
Molecular consequence: missense variant.
Genome position (GRCh38, 1-based): chrX:10,206,737, T>G. VCF-style: chrX-10206737-T-G. GRCh37 (hg19) VCF-style: chrX-10174777-T-G.
Other names: c.522T>G, p.Phe174Leu (NM_001256944.2); short protein forms F268L, F174L.
Identifiers: ClinVar variation 432066 (VCV000432066.2), dbSNP rs1555976161, ClinGen allele CA412037179.